The following is an entry in ClinVar:

ClinVar aggregate classification (germline): Likely pathogenic (1 of 4 stars; one submission).

Conditions:
Autosomal recessive limb-girdle muscular dystrophy type 2J (LGMDR10). Also called: Limb-girdle muscular dystrophy, type 2J; MUSCULAR DYSTROPHY, LIMB-GIRDLE, AUTOSOMAL RECESSIVE 10. Identifiers: Orphanet 140922, MedGen C1837342, MONDO:0012127, OMIM 608807.
Dilated cardiomyopathy 1G (CMD1G). Identifiers: Orphanet 154, MedGen C1858763, MONDO:0011400, OMIM 604145.

Submission:

Labcorp Genetics (formerly Invitae), Labcorp
Classification: Likely pathogenic for Dilated cardiomyopathy 1G; Autosomal recessive limb-girdle muscular dystrophy type 2J. Last evaluated: 2025-12-09. Review status: criteria provided, single submitter. Criteria: Invitae Variant Classification Sherloc (09022015). Collection method: clinical testing. Allele origin: germline.
Comment: This sequence change creates a premature translational stop signal (p.Thr11006Lysfs*34) in the TTN gene. While this is not anticipated to result in nonsense mediated decay, it is expected to create a truncated TTN protein. This variant is not present in population databases (gnomAD no frequency). This variant has not been observed in the literature in individuals with autosomal recessive TTN-related conditions. This variant has been reported in individual(s) with autosomal dominant dilated cardiomyopathy (internal data); however, the role of the variant in this condition is currently unclear. This variant is located in the I band of TTN (PMID: 25589632). Truncating variants in this region have been reported in individuals affected with autosomal recessive centronuclear myopathy (PMID: 23975875, internal data). Truncating variants in this region have also been identified in individuals affected with autosomal dominant dilated cardiomyopathy and/or cardio-related conditions (PMID: 27869827, 32964742, internal data). In summary, the currently available evidence indicates that the variant is pathogenic, but additional data are needed to prove that conclusively. Therefore, this variant has been classified as Likely Pathogenic.

Literature cited by the submitters: PubMed 25589632; PubMed 23975875; PubMed 27869827; PubMed 32964742.

NM_001267550.2(TTN):c.33017del (p.Thr11006fs)

Gene: TTN (titin; minus strand). Cytogenetic location: 2q31.2.
Variant type: Deletion.
Coding change: c.33017del on transcript NM_001267550.2 (MANE Select); coding-DNA position 33017, one base deleted (C; older notation c.33017delC).
Protein change: p.Thr11006fs; shifts the reading frame from threonine 11006.
Molecular consequence: frameshift variant. On other transcripts: intron variant (3).
Genome position (GRCh38, 1-based): chr2:178,682,774, G deleted on the plus strand (C on the coding strand, the reverse complement: TTN is on the minus strand). VCF-style (leftmost placement, unchanged base first): chr2-178682773-TG-T. GRCh37 (hg19) VCF-style: chr2-179547500-TG-T.
Other names: c.32066del, p.Thr10689fs (NM_001256850.1); c.29285del, p.Thr9762fs (NM_133378.4); c.13283-40457del (NM_003319.4); c.13859-40457del (NM_133437.4); c.13658-40457del (NM_133432.3); short protein forms T11006fs, T9762fs, T10689fs.
Identifiers: ClinVar variation 4789818 (VCV004789818.1).